The following is an entry in ClinVar:

NM_198525.3(KIF7):c.2993A>G (p.Gln998Arg)

Gene: KIF7 (kinesin family member 7; minus strand). Cytogenetic location: 15q26.1.
Variant type: single nucleotide variant.
Coding change: c.2993A>G on transcript NM_198525.3 (MANE Select); coding-DNA position 2993, A replaced by G.
Protein change: p.Gln998Arg; replaces glutamine 998 with arginine.
Molecular consequence: missense variant.
Genome position (GRCh38, 1-based): chr15:89,631,613, T>C on the plus strand (A>G on the coding strand, the complement: KIF7 is on the minus strand). VCF-style: chr15-89631613-T-C. GRCh37 (hg19) VCF-style: chr15-90174844-T-C.
Other names: short protein forms Q998R.
Identifiers: ClinVar variation 2413909 (VCV002413909.6), dbSNP rs2505426865, ClinGen allele CA393757200.

ClinVar aggregate classification (germline): Uncertain significance (1 of 4 stars; one submission).

Conditions:
Acrocallosal syndrome (ACLS). Also called: HALLUX DUPLICATION, POSTAXIAL POLYDACTYLY, AND ABSENCE OF CORPUS CALLOSUM; Schinzel syndrome 1; Absence of corpus callosum with unusual facial appearance, mental deficiency, duplication of the halluces and polydactyly. Identifiers: Orphanet 36, MedGen C0796147, MONDO:0008708, OMIM 200990.

Allele frequency attached by ClinVar (database versions not stated): gnomAD exomes below 0.00001.
gnomAD v4.1: 4 of 1,561,556 alleles (0.00026%); highest among the groups gnomAD compares: South Asian, 0.0012%; no homozygotes.

Submission:

Labcorp Genetics (formerly Invitae), Labcorp
Classification: Uncertain significance for Acrocallosal syndrome. Last evaluated: 2022-08-09. Review status: criteria provided, single submitter. Criteria: Invitae Variant Classification Sherloc (09022015). Collection method: clinical testing. Allele origin: germline.
Comment: In summary, the available evidence is currently insufficient to determine the role of this variant in disease. Therefore, it has been classified as a Variant of Uncertain Significance. This sequence change replaces glutamine, which is neutral and polar, with arginine, which is basic and polar, at codon 998 of the KIF7 protein (p.Gln998Arg). This variant is not present in population databases (gnomAD no frequency). This variant has not been reported in the literature in individuals affected with KIF7-related conditions. Algorithms developed to predict the effect of missense changes on protein structure and function (SIFT, PolyPhen-2, Align-GVGD) all suggest that this variant is likely to be tolerated.